The following is an entry in ClinVar:

NM_001384474.1(LOXHD1):c.2318G>C (p.Arg773Pro)

Gene: LOXHD1 (lipoxygenase homology PLAT domains 1; minus strand). Cytogenetic location: 18q21.1.
Variant type: single nucleotide variant.
Coding change: c.2318G>C on transcript NM_001384474.1 (MANE Select); coding-DNA position 2318, G replaced by C.
Protein change: p.Arg773Pro; replaces arginine 773 with proline.
Molecular consequence: missense variant.
Genome position (GRCh38, 1-based): chr18:46,566,376, C>G on the plus strand (G>C on the coding strand, the complement: LOXHD1 is on the minus strand). VCF-style: chr18-46566376-C-G. GRCh37 (hg19) VCF-style: chr18-44146339-C-G.
Other names: c.2318G>C, p.Arg773Pro (NM_144612.7); short protein forms R773P.
Identifiers: ClinVar variation 3906962 (VCV003906962.2).

ClinVar aggregate classification (germline): Uncertain significance (1 of 4 stars; one submission).

Conditions:
Autosomal recessive nonsyndromic hearing loss 77. Identifiers: Orphanet 90636, MedGen C2746083, MONDO:0013119, OMIM 613079.

Submission:

Juno Genomics, Hangzhou Juno Genomics, Inc
Classification: Uncertain significance for Autosomal recessive nonsyndromic hearing loss 77. Review status: criteria provided, single submitter. Criteria: ACMG Guidelines, 2015. Collection method: clinical testing. Allele origin: germline. Affected: yes.
Comment: Absent from controls (or at extremely low frequency if recessive) in Genome Aggregation Database, Exome Sequencing Project, 1000 Genomes Project, or Exome Aggregation Consortium.